The following is an entry in ClinVar:

NM_000551.4(VHL):c.439A>T (p.Ile147Phe)

Genes: VHL (von Hippel-Lindau tumor suppressor; plus strand), LOC107303340 (3p25 von Hippel-Lindau tumor suppressor, E3 ubiquitin protein ligase Alu-mediated recombination region; plus strand). Cytogenetic location: 3p25.3.
Variant type: single nucleotide variant.
Coding change: c.439A>T on transcript NM_000551.4 (MANE Select); coding-DNA position 439, A replaced by T.
Protein change: p.Ile147Phe; replaces isoleucine 147 with phenylalanine.
Molecular consequence: missense variant. On other transcripts: intron variant (2), non-coding transcript variant (1).
Genome position (GRCh38, 1-based): chr3:10,146,612, A>T. VCF-style: chr3-10146612-A-T. GRCh37 (hg19) VCF-style: chr3-10188296-A-T.
Other names: c.341-3175A>T (NM_198156.3); c.*18-3175A>T (NM_001354723.2); short protein forms I147F.
Identifiers: ClinVar variation 2451974 (VCV002451974.4), dbSNP rs1057517560, ClinGen allele CA351754261.
Genomic context (GRCh38, chr3:10,146,612, plus strand): 5'-GGGCTTCTGGTTAACCAAACTGAATTATTTGTGCCATCTCTCAATGTTGACGGACAGCCT[A>T]TTTTTGCCAATATCACACTGCCAGGTACTGACGTTTTACTTTTTAAAAAGATAAGGTTGT-3'
Protein context (NP_000542.1, residues 137-157): VPSLNVDGQP[Ile147Phe]FANITLPVYT

ClinVar aggregate classification (germline): Conflicting classifications of pathogenicity. Review status: criteria provided, conflicting classifications (1 of 4 stars). 2 submissions from 2 submitters: Uncertain significance (1); Likely benign (1). Last evaluated 2026-04-23.

Conditions:
VHL-related disorder. Also called: VHL-related condition.
Hereditary cancer-predisposing syndrome. Also called: Tumor predisposition; Hereditary Cancer Syndrome; Hereditary neoplastic syndrome; Neoplastic Syndromes, Hereditary. Identifiers: Orphanet 140162, MedGen C0027672, MeSH D009386, MONDO:0015356.

gnomAD v4.1: 1 of 1,613,970 alleles (0.000062%); highest among the groups gnomAD compares: South Asian, 0.0011%; no homozygotes.

Submissions (2):

Ambry Genetics
Classification: Likely benign for Hereditary cancer-predisposing syndrome. Last evaluated: 2026-04-23. Review status: criteria provided, single submitter. Criteria: Ambry Variant Classification Scheme 2023. Collection method: clinical testing. Allele origin: germline.

PreventionGenetics, part of Exact Sciences
Classification: Uncertain significance for VHL-related condition. Last evaluated: 2022-10-07. Review status: criteria provided, single submitter. Criteria: ACMG Guidelines, 2015. Collection method: clinical testing. Allele origin: germline.
Comment: The VHL c.439A>T variant is predicted to result in the amino acid substitution p.Ile147Phe. To our knowledge, this variant has not been reported in the literature or in a large population database, indicating this variant is rare. Two alternate missense changes at this same amino acid position have been reported in patients with pheochromocytoma and renal tumors; yet these alternate missense changes are also present in gnomAD (p.Ile147Val, p.Ile147Thr; Petersson et al. 2011. PubMed ID: 20952280; van der Harst et al. 1998. PubMed ID: 9663592). At this time, the clinical significance of this variant is uncertain due to the absence of conclusive functional and genetic evidence.

Literature cited by the submitters: PubMed 38969834 (cited by Ambry Genetics).